The following is an entry in ClinVar:

NM_013266.4(CTNNA3):c.2260A>C (p.Asn754His)

Gene: CTNNA3 (catenin alpha 3; minus strand). Cytogenetic location: 10q21.3.
Variant type: single nucleotide variant.
Coding change: c.2260A>C on transcript NM_013266.4 (MANE Select); coding-DNA position 2260, A replaced by C.
Protein change: p.Asn754His; replaces asparagine 754 with histidine.
Molecular consequence: missense variant.
Genome position (GRCh38, 1-based): chr10:65,988,697, T>G on the plus strand (A>C on the coding strand, the complement: CTNNA3 is on the minus strand). VCF-style: chr10-65988697-T-G. GRCh37 (hg19) VCF-style: chr10-67748455-T-G.
Other names: c.2260A>C, p.Asn754His (NM_001127384.3); short protein forms N754H.
Identifiers: ClinVar variation 1406219 (VCV001406219.6), dbSNP rs142752710, ClinGen allele CA208956797.
Genomic context (GRCh38, chr10:65,988,697, plus strand): 5'-ATGGCAAAGAGCAATTAGCATGAACTTTTATGATGTCCACTTGTAAGTAACTCACCTGAT[T>G]AGCAATCTGCCGAGCAAGGACATCCATCCTTGATCCTGATTCTGATATCATTTTCGCTGC-3'
Protein context (NP_037398.2, residues 744-764): RMDVLARQIA[Asn754His]QCPDPSCKQD

ClinVar aggregate classification (germline): Uncertain significance (1 of 4 stars; one submission).

Conditions:
Arrhythmogenic right ventricular dysplasia 13. Also called: Arrhythmogenic right ventricular dysplasia, familial, 13; ARRHYTHMOGENIC RIGHT VENTRICULAR CARDIOMYOPATHY 13. Identifiers: MedGen C3810138, MONDO:0000908, OMIM 615616.

Allele frequency attached by ClinVar (database versions not stated): gnomAD exomes below 0.00001; TOPMed below 0.00001; ESP Exome Variant Server 0.00008.
gnomAD v4.1: 2 of 1,612,840 alleles (0.00012%); highest among the groups gnomAD compares: Admixed American, 0.0017%; no homozygotes.

Submission:

Labcorp Genetics (formerly Invitae), Labcorp
Classification: Uncertain significance for Arrhythmogenic right ventricular dysplasia 13. Last evaluated: 2025-07-24. Review status: criteria provided, single submitter. Criteria: Invitae Variant Classification Sherloc (09022015). Collection method: clinical testing. Allele origin: germline.
Comment: This sequence change replaces asparagine, which is neutral and polar, with histidine, which is basic and polar, at codon 754 of the CTNNA3 protein (p.Asn754His). This variant is not present in population databases (gnomAD no frequency). This missense change has been observed in individual(s) with clinical features of CTNNA3-related conditions (PMID: 28202948). ClinVar contains an entry for this variant (Variation ID: 1406219). Invitae Evidence Modeling of protein sequence and biophysical properties (such as structural, functional, and spatial information, amino acid conservation, physicochemical variation, residue mobility, and thermodynamic stability) indicates that this missense variant is not expected to disrupt CTNNA3 protein function with a negative predictive value of 80%. In summary, the available evidence is currently insufficient to determine the role of this variant in disease. Therefore, it has been classified as a Variant of Uncertain Significance.

Literature cited by the submitters: PubMed 28202948.